The following is an entry in ClinVar:

ClinVar aggregate classification (germline): Benign. Review status: criteria provided, multiple submitters, no conflicts (2 of 4 stars). 6 submissions from 5 submitters: Benign (5). 1 of the submissions does not count toward it. Last evaluated 2018-06-16.

Conditions:
Noonan syndrome (NS). Also called: Noonan's syndrome. Identifiers: Orphanet 648, MedGen C0028326, MeSH D009634, MONDO:0018997. Disease mechanism: gain of function.
Fibromatosis, gingival, 1 (GINGF1). Identifiers: Orphanet 2024, MedGen C4551558, MONDO:0007609, OMIM 135300.
Noonan syndrome 4 (NS4). Also called: NOONAN SYNDROME WITH PIGMENTED VILLONODULAR SYNOVITIS; SOS1-Related Noonan Syndrome. Identifiers: Orphanet 648, MedGen C1853120, MONDO:0012547, OMIM 610733.

Allele frequency attached by ClinVar (database versions not stated): gnomAD exomes 0.00254 and 0.00579; ExAC 0.00717; 1000 Genomes Project 0.02177; gnomAD 0.02201 and 0.02350; 1000 Genomes Project 30x 0.02374; TOPMed 0.02528; ESP Exome Variant Server 0.02530.
gnomAD v4.1: 5,770 of 1,046,610 alleles (0.55%); highest among the groups gnomAD compares: African/African-American, 7.7%; 231 homozygotes.

Submissions (6):

GeneDx
Classification: Benign. Last evaluated: 2018-06-16. Review status: criteria provided, single submitter. Criteria: GeneDx Variant Classification (06012015). Collection method: clinical testing. Allele origin: germline. Affected: yes.
Comment: This variant is considered likely benign or benign based on one or more of the following criteria: it is a conservative change, it occurs at a poorly conserved position in the protein, it is predicted to be benign by multiple in silico algorithms, and/or has population frequency not consistent with disease.

Breakthrough Genomics
Classification: Benign. Review status: criteria provided, single submitter. Criteria: ACMG Guidelines, 2015. Collection method: not provided. Allele origin: germline. Inheritance: Autosomal dominant inheritance. Affected: yes.

Genome-Nilou Lab
Classification: Benign for Noonan syndrome 4. Review status: criteria provided, single submitter. Criteria: ACMG Guidelines, 2015. Collection method: clinical testing. Allele origin: germline.

Genome-Nilou Lab
Classification: Benign for Fibromatosis, gingival, 1. Review status: criteria provided, single submitter. Criteria: ACMG Guidelines, 2015. Collection method: clinical testing. Allele origin: germline.

PreventionGenetics, part of Exact Sciences
Classification: Benign. Review status: criteria provided, single submitter. Criteria: ACMG Guidelines, 2015. Collection method: clinical testing. Allele origin: germline.

ARUP Laboratories, Molecular Genetics and Genomics, ARUP Laboratories
Classification: Benign for Noonan syndrome. Last evaluated: 2013-07-17. Review status: no assertion criteria provided. Collection method: clinical testing. Allele origin: unknown. Affected: yes. Observed: 2 variant alleles. Not counted in ClinVar's aggregate classification.

NM_005633.4(SOS1):c.3081+32A>G

Gene: SOS1 (SOS Ras/Rac guanine nucleotide exchange factor 1; minus strand). Cytogenetic location: 2p22.1.
Variant type: single nucleotide variant.
Coding change: c.3081+32A>G on transcript NM_005633.4 (MANE Select); 32 bases into the intron after coding-DNA position 3081, A replaced by G.
Molecular consequence: intron variant.
Genome position (GRCh38, 1-based): chr2:38,996,890, T>C on the plus strand (A>G on the coding strand, the complement: SOS1 is on the minus strand). VCF-style: chr2-38996890-T-C. GRCh37 (hg19) VCF-style: chr2-39224031-T-C.
Other names: c.3060+32A>G (NM_001382394.1); c.3081+32A>G (NM_001382395.1).
Identifiers: ClinVar variation 180164 (VCV000180164.12), dbSNP rs6723430, ClinGen allele CA273694.